The following is an entry in ClinVar:

NM_000152.5(GAA):c.2453T>C (p.Leu818Pro)

Gene: GAA (alpha glucosidase; plus strand). Cytogenetic location: 17q25.3.
Variant type: single nucleotide variant.
Coding change: c.2453T>C on transcript NM_000152.5 (MANE Select); coding-DNA position 2453, T replaced by C.
Protein change: p.Leu818Pro; replaces leucine 818 with proline.
Molecular consequence: missense variant.
Genome position (GRCh38, 1-based): chr17:80,117,721, T>C. VCF-style: chr17-80117721-T-C. GRCh37 (hg19) VCF-style: chr17-78091520-T-C.
Other names: c.2453T>C (NM_001079804.1); c.2453T>C, p.Leu818Pro (NM_001079803.3, NM_001079804.3, NM_001406741.1 and 1 more transcripts); short protein forms L818P.
Identifiers: ClinVar variation 2859667 (VCV002859667.4), dbSNP rs2510399842, ClinGen allele CA401325298.
Genomic context (GRCh38, chr17:80,117,721, plus strand): 5'-TCCACAGCGAGGGGCAGTGGGTGACGCTGCCGGCCCCCCTGGACACCATCAACGTCCACC[T>C]CCGGGCTGGGTACATCATCCCCCTGCAGGTACCTGGGCCAGGCGGCTATGGTGGGGGTGT-3'
Protein context (NP_000143.2, residues 808-828): PAPLDTINVH[Leu818Pro]RAGYIIPLQG

ClinVar aggregate classification (germline): Uncertain significance. Review status: criteria provided, multiple submitters, no conflicts (2 of 4 stars). 2 submissions from 2 submitters: Uncertain significance (2). Last evaluated 2026-07-07.

Conditions:
Glycogen storage disease, type II (IOPD). Also called: POMPE DISEASE, INFANTILE-ONSET; GLYCOGEN STORAGE DISEASE II, INFANTILE-ONSET; ACID ALPHA-GLUCOSIDASE DEFICIENCY, INFANTILE-ONSET; GAA DEFICIENCY, INFANTILE-ONSET; ACID MALTASE DEFICIENCY, INFANTILE-ONSET; Glucosidase acid-1,4-alpha deficiency. Identifiers: Orphanet 365, MedGen C0017921, MONDO:0009290, OMIM 232300.
Cardiovascular phenotype. Identifiers: MedGen CN230736.

Submissions (2):

Ambry Genetics
Classification: Uncertain significance for Cardiovascular phenotype. Last evaluated: 2026-07-07. Review status: criteria provided, single submitter. Criteria: Ambry Variant Classification Scheme 2023. Collection method: clinical testing. Allele origin: germline.
Comment: The p.L818P variant (also known as c.2453T>C), located in coding exon 16 of the GAA gene, results from a T to C substitution at nucleotide position 2453. The leucine at codon 818 is replaced by proline, an amino acid with similar properties. This amino acid position is conserved. In addition, this alteration is predicted to be deleterious by in silico analysis. Based on the available evidence, the clinical significance of this variant remains unclear.

Labcorp Genetics (formerly Invitae), Labcorp
Classification: Uncertain significance for Glycogen storage disease, type II. Last evaluated: 2023-06-16. Review status: criteria provided, single submitter. Criteria: Invitae Variant Classification Sherloc (09022015). Collection method: clinical testing. Allele origin: germline.
Comment: In summary, the available evidence is currently insufficient to determine the role of this variant in disease. Therefore, it has been classified as a Variant of Uncertain Significance. Advanced modeling of protein sequence and biophysical properties (such as structural, functional, and spatial information, amino acid conservation, physicochemical variation, residue mobility, and thermodynamic stability) performed at Invitae indicates that this missense variant is expected to disrupt GAA protein function. This variant has not been reported in the literature in individuals affected with GAA-related conditions. This variant is not present in population databases (gnomAD no frequency). This sequence change replaces leucine, which is neutral and non-polar, with proline, which is neutral and non-polar, at codon 818 of the GAA protein (p.Leu818Pro).